The following is an entry in ClinVar:

ClinVar aggregate classification (germline): Uncertain significance. Review status: criteria provided, multiple submitters, no conflicts (2 of 4 stars). 2 submissions from 2 submitters: Uncertain significance (2). Last evaluated 2023-08-28.

Conditions:
Hypertrophic cardiomyopathy 26. Also called: Cardiomyopathy, familial hypertrophic, 26. Identifiers: Orphanet 75249, MedGen C4310749, MONDO:0014883, OMIM 617047.
Myofibrillar myopathy 5. Also called: Filaminopathy (type); FILAMINOPATHY, AUTOSOMAL DOMINANT. Identifiers: Orphanet 171445, MedGen C1836050, MONDO:0012289, OMIM 609524.
Distal myopathy with posterior leg and anterior hand involvement. Also called: WILLIAMS DISTAL MYOPATHY. Identifiers: Orphanet 63273, MedGen C3279722, MONDO:0013550, OMIM 614065.

Submissions (2):

Labcorp Genetics (formerly Invitae), Labcorp
Classification: Uncertain significance for Distal myopathy with posterior leg and anterior hand involvement; Myofibrillar myopathy 5; Hypertrophic cardiomyopathy 26. Last evaluated: 2023-08-28. Review status: criteria provided, single submitter. Criteria: Invitae Variant Classification Sherloc (09022015). Collection method: clinical testing. Allele origin: germline.
Comment: In summary, the available evidence is currently insufficient to determine the role of this variant in disease. Therefore, it has been classified as a Variant of Uncertain Significance. This sequence change replaces histidine, which is basic and polar, with arginine, which is basic and polar, at codon 111 of the FLNC protein (p.His111Arg). This variant is not present in population databases (gnomAD no frequency). This variant has not been reported in the literature in individuals affected with FLNC-related conditions. Advanced modeling of protein sequence and biophysical properties (such as structural, functional, and spatial information, amino acid conservation, physicochemical variation, residue mobility, and thermodynamic stability) has been performed at Invitae for this missense variant, however the output from this modeling did not meet the statistical confidence thresholds required to predict the impact of this variant on FLNC protein function.

GeneDx
Classification: Uncertain significance. Last evaluated: 2023-06-20. Review status: criteria provided, single submitter. Criteria: GeneDx Variant Classification Process June 2021. Collection method: clinical testing. Allele origin: germline. Affected: yes.
Comment: Not observed at significant frequency in large population cohorts (gnomAD); In silico analysis supports that this missense variant does not alter protein structure/function; Has not been previously published as pathogenic or benign to our knowledge

NM_001458.5(FLNC):c.332A>G (p.His111Arg)

Gene: FLNC (filamin C; plus strand). Cytogenetic location: 7q32.1.
Variant type: single nucleotide variant.
Coding change: c.332A>G on transcript NM_001458.5 (MANE Select); coding-DNA position 332, A replaced by G.
Protein change: p.His111Arg; replaces histidine 111 with arginine.
Molecular consequence: missense variant.
Genome position (GRCh38, 1-based): chr7:128,830,969, A>G. VCF-style: chr7-128830969-A-G. GRCh37 (hg19) VCF-style: chr7-128471023-A-G.
Other names: c.332A>G, p.His111Arg (NM_001127487.2); short protein forms H111R.
Identifiers: ClinVar variation 2948835 (VCV002948835.4), dbSNP rs1376914067, ClinGen allele CA369217114.